The following is an entry in ClinVar:

NM_002181.4(IHH):c.391G>A (p.Glu131Lys)

Gene: IHH (Indian hedgehog signaling molecule; minus strand). Cytogenetic location: 2q35.
Variant type: single nucleotide variant.
Coding change: c.391G>A on transcript NM_002181.4 (MANE Select); coding-DNA position 391, G replaced by A.
Protein change: p.Glu131Lys; replaces glutamic acid 131 with lysine.
Molecular consequence: missense variant.
Genome position (GRCh38, 1-based): chr2:219,057,619, C>T on the plus strand (G>A on the coding strand, the complement: IHH is on the minus strand). VCF-style: chr2-219057619-C-T. GRCh37 (hg19) VCF-style: chr2-219922341-C-T.
Other names: c.391G>A (NM_002181.3); short protein forms E131K.
Identifiers: ClinVar variation 8867 (VCV000008867.2), dbSNP rs121917853, ClinGen allele CA119974.

ClinVar aggregate classification (germline): Likely pathogenic. Review status: criteria provided, single submitter (1 of 4 stars). 2 submissions from 2 submitters: Likely pathogenic (1). 1 of the submissions does not count toward it. Last evaluated 2024-02-16.

Conditions:
Brachydactyly type A1. Also called: SHORT STATURE WITH NONSPECIFIC SKELETAL ABNORMALITIES 2; FARABEE-TYPE BRACHYDACTYLY. Identifiers: Orphanet 93388, MedGen C1862151, MONDO:0007215, OMIM 112500, HP:0009371.

Submissions (2):

GeneDx
Classification: Likely pathogenic. Last evaluated: 2024-02-16. Review status: criteria provided, single submitter. Criteria: GeneDx Variant Classification Process June 2021. Collection method: clinical testing. Allele origin: germline. Affected: yes.
Comment: Not observed at significant frequency in large population cohorts (gnomAD); In silico analysis supports that this missense variant has a deleterious effect on protein structure/function; This variant is associated with the following publications: (PMID: 18794898, 21537345, 19277064, 25932455, 11455389, 20024692, 31502745)

OMIM
Classification: Pathogenic for BRACHYDACTYLY, TYPE A1. Last evaluated: 2009-09-01. Review status: no assertion criteria provided. Collection method: literature only. Allele origin: germline. Not counted in ClinVar's aggregate classification.

Literature cited by the submitters: PubMed 11455389 (cited by OMIM); PubMed 19277064 (cited by OMIM).